The following is an entry in ClinVar:

NM_001276270.2(MBD4):c.1081A>G (p.Lys361Glu)

Gene: MBD4 (methyl-CpG binding domain 4, DNA glycosylase; minus strand). Cytogenetic location: 3q21.3.
Variant type: single nucleotide variant.
Coding change: c.1081A>G on transcript NM_001276270.2 (MANE Select); coding-DNA position 1081, A replaced by G.
Protein change: p.Lys361Glu; replaces lysine 361 with glutamic acid.
Molecular consequence: missense variant. On other transcripts: intron variant (1).
Genome position (GRCh38, 1-based): chr3:129,436,563, T>C on the plus strand (A>G on the coding strand, the complement: MBD4 is on the minus strand). VCF-style: chr3-129436563-T-C. GRCh37 (hg19) VCF-style: chr3-129155406-T-C.
Other names: c.1081A>G, p.Lys361Glu (NM_001276271.2, NM_001276272.2, NM_003925.3); c.247+1245A>G (NM_001276273.2); short protein forms K361E.
Identifiers: ClinVar variation 4827724 (VCV004827724.1).

ClinVar aggregate classification (germline): Uncertain significance (1 of 4 stars; one submission).

Conditions:
Inborn genetic diseases. Identifiers: MedGen C0950123, MeSH D030342.

gnomAD v4.1: 1 of 1,614,202 alleles (0.000062%); highest among the groups gnomAD compares: Non-Finnish European, 0.000085%; no homozygotes.

Submission:

Ambry Genetics
Classification: Uncertain significance for Inborn genetic diseases. Last evaluated: 2026-02-25. Review status: criteria provided, single submitter. Criteria: Ambry Variant Classification Scheme 2023. Collection method: clinical testing. Allele origin: germline.
Comment: The p.K361E variant (also known as c.1081A>G), located in coding exon 3 of the MBD4 gene, results from an A to G substitution at nucleotide position 1081. The lysine at codon 361 is replaced by glutamic acid, an amino acid with similar properties. This amino acid position is conserved. In addition, this alteration is predicted to be tolerated by in silico analysis. Based on the available evidence, the clinical significance of this variant remains unclear.